The following is an entry in ClinVar:

ClinVar aggregate classification (germline): Pathogenic (1 of 4 stars; one submission).

Conditions:
Autosomal dominant epilepsy with auditory features. Identifiers: Orphanet 101046, MedGen C1838062, MONDO:0010898.

Submission:

Labcorp Genetics (formerly Invitae), Labcorp
Classification: Pathogenic for Autosomal dominant epilepsy with auditory features. Last evaluated: 2023-06-04. Review status: criteria provided, single submitter. Criteria: Invitae Variant Classification Sherloc (09022015). Collection method: clinical testing. Allele origin: germline.
Comment: This variant is not present in population databases (gnomAD no frequency). For these reasons, this variant has been classified as Pathogenic. This variant disrupts a region of the LGI1 protein in which other variant(s) (p.Ile547Asnfs*8) have been determined to be pathogenic (PMID: 11810107, 15857855, 18711109). This suggests that this is a clinically significant region of the protein, and that variants that disrupt it are likely to be disease-causing. ClinVar contains an entry for this variant (Variation ID: 1075701). This variant has not been reported in the literature in individuals affected with LGI1-related conditions. This sequence change creates a premature translational stop signal (p.Leu373*) in the LGI1 gene. While this is not anticipated to result in nonsense mediated decay, it is expected to disrupt the last 185 amino acid(s) of the LGI1 protein.

Literature cited by the submitters: PubMed 11810107; PubMed 15857855; PubMed 18711109.

NM_005097.4(LGI1):c.1118T>A (p.Leu373Ter)

Gene: LGI1 (leucine rich glioma inactivated 1; plus strand). Cytogenetic location: 10q23.33.
Variant type: single nucleotide variant.
Coding change: c.1118T>A on transcript NM_005097.4 (MANE Select); coding-DNA position 1118, T replaced by A.
Protein change: p.Leu373Ter; replaces leucine 373 with a stop codon.
Molecular consequence: nonsense. On other transcripts: non-coding transcript variant (1), intron variant (1).
Genome position (GRCh38, 1-based): chr10:93,797,247, T>A. VCF-style: chr10-93797247-T-A. GRCh37 (hg19) VCF-style: chr10-95557004-T-A.
Other names: c.974T>A, p.Leu325Ter (NM_001308276.2); c.839-502T>A (NM_001308275.2); short protein forms L325*, L373*.
Identifiers: ClinVar variation 1075701 (VCV001075701.10), dbSNP rs2134026513, ClinGen allele CA377627800.